The following is an entry in ClinVar:

ClinVar aggregate classification (germline): Uncertain significance (1 of 4 stars; one submission).

Conditions:
Inborn genetic diseases. Identifiers: MedGen C0950123, MeSH D030342.

Submission:

Ambry Genetics
Classification: Uncertain significance for Inborn genetic diseases. Last evaluated: 2026-03-12. Review status: criteria provided, single submitter. Criteria: Ambry Variant Classification Scheme 2023. Collection method: clinical testing. Allele origin: germline.
Comment: The p.G256S variant (also known as c.766G>A), located in coding exon 3 of the MBD4 gene, results from a G to A substitution at nucleotide position 766. The glycine at codon 256 is replaced by serine, an amino acid with similar properties. This amino acid position is conserved. In addition, this alteration is predicted to be tolerated by in silico analysis. Based on the available evidence, the clinical significance of this variant remains unclear.

NM_001276270.2(MBD4):c.766G>A (p.Gly256Ser)

Gene: MBD4 (methyl-CpG binding domain 4, DNA glycosylase; minus strand). Cytogenetic location: 3q21.3.
Variant type: single nucleotide variant.
Coding change: c.766G>A on transcript NM_001276270.2 (MANE Select); coding-DNA position 766, G replaced by A.
Protein change: p.Gly256Ser; replaces glycine 256 with serine.
Molecular consequence: missense variant. On other transcripts: intron variant (1).
Genome position (GRCh38, 1-based): chr3:129,436,878, C>T on the plus strand (G>A on the coding strand, the complement: MBD4 is on the minus strand). VCF-style: chr3-129436878-C-T. GRCh37 (hg19) VCF-style: chr3-129155721-C-T.
Other names: c.766G>A, p.Gly256Ser (NM_001276271.2, NM_001276272.2, NM_003925.3); c.247+930G>A (NM_001276273.2); short protein forms G256S.
Identifiers: ClinVar variation 4827730 (VCV004827730.1).